The following is an entry in ClinVar:

ClinVar aggregate classification (germline): Likely benign (0 of 4 stars; one submission).

Conditions:
CUL9-related disorder. Also called: CUL9-related condition.

Allele frequency attached by ClinVar (database versions not stated): gnomAD 0.00002; gnomAD exomes 0.00004; ExAC 0.00009; 1000 Genomes Project 30x 0.00016; 1000 Genomes Project 0.00020.
gnomAD v4.1: 57 of 1,613,772 alleles (0.0035%); highest among the groups gnomAD compares: South Asian, 0.055%; 2 homozygotes.

Submission:

PreventionGenetics, part of Exact Sciences
Classification: Likely benign for CUL9-related condition. Last evaluated: 2019-04-01. Review status: no assertion criteria provided. Collection method: clinical testing. Allele origin: germline.
Comment: This variant is classified as likely benign based on ACMG/AMP sequence variant interpretation guidelines (Richards et al. 2015 PMID: 25741868, with internal and published modifications).

NM_015089.4(CUL9):c.5023-7C>T

Gene: CUL9 (cullin 9; plus strand). Cytogenetic location: 6p21.1.
Variant type: single nucleotide variant.
Coding change: c.5023-7C>T on transcript NM_015089.4 (MANE Select); 7 bases into the intron before coding-DNA position 5023, C replaced by T.
Molecular consequence: intron variant.
Genome position (GRCh38, 1-based): chr6:43,206,314, C>T. VCF-style: chr6-43206314-C-T. GRCh37 (hg19) VCF-style: chr6-43174052-C-T.
Identifiers: ClinVar variation 3058028 (VCV003058028.2), dbSNP rs545998323, ClinGen allele CA3818286.
Genomic context (GRCh38, chr6:43,206,314, plus strand): 5'-GGAGAGTGAGAGAAGACTAGACCAAGGAAGGGAGCCCAAGGGCCCTTGAAATCCTTCTGT[C>T]CCTCAGGAGGAAGAGGAGGAAGAGGAAGCTGAGAAAGAATTATTTATCGAAGATCCAAGT-3'